The following is an entry in ClinVar:

NM_134261.3(RORA):c.573C>T (p.Asn191=)

Genes: RORA (RAR related orphan receptor A; minus strand), RORA-AS1 (RORA antisense RNA 1; plus strand). Cytogenetic location: 15q22.2.
Variant type: single nucleotide variant.
Coding change: c.573C>T on transcript NM_134261.3 (MANE Select); coding-DNA position 573, C replaced by T.
Protein change: p.Asn191=; no amino-acid change (asparagine 191 retained).
Molecular consequence: synonymous variant.
Genome position (GRCh38, 1-based): chr15:60,511,473, G>A on the plus strand (C>T on the coding strand, the complement: RORA is on the minus strand). VCF-style: chr15-60511473-G-A. GRCh37 (hg19) VCF-style: chr15-60803672-G-A.
Other names: c.648C>T, p.Asn216= (NM_002943.4); c.672C>T, p.Asn224= (NM_134260.3); c.408C>T, p.Asn136= (NM_134262.3).
Identifiers: ClinVar variation 2645392 (VCV002645392.25), dbSNP rs150805444, ClinGen allele CA7593682.

ClinVar aggregate classification (germline): Likely benign. Review status: criteria provided, multiple submitters, no conflicts (2 of 4 stars). 2 submissions from 2 submitters: Likely benign (2). Last evaluated 2025-07-01.

Allele frequency attached by ClinVar (database versions not stated): ESP Exome Variant Server 0.00008; ExAC 0.00012; 1000 Genomes Project 30x 0.00016; 1000 Genomes Project 0.00020; gnomAD exomes 0.00023.
gnomAD v4.1: 350 of 1,614,182 alleles (0.022%); highest among the groups gnomAD compares: Non-Finnish European, 0.027%; 1 homozygote.

Submissions (2):

CeGaT Center for Human Genetics Tuebingen
Classification: Likely benign. Last evaluated: 2025-07-01. Review status: criteria provided, single submitter. Criteria: CeGaT Center For Human Genetics Tuebingen Variant Classification Criteria Version 2. Collection method: clinical testing. Allele origin: germline. Affected: yes. Observed: 3 variant alleles.
Comment: RORA: BP4, BP7

Blueprint Genetics
Classification: Likely benign. Last evaluated: 2024-11-07. Review status: criteria provided, single submitter. Criteria: ACMG Guidelines, 2015. Collection method: clinical testing. Allele origin: germline.